The following is an entry in ClinVar:

NM_001080414.4(CCDC88C):c.710C>T (p.Thr237Ile)

Gene: CCDC88C (coiled-coil and HOOK domain protein 88C; minus strand). Cytogenetic location: 14q32.11.
Variant type: single nucleotide variant.
Coding change: c.710C>T on transcript NM_001080414.4 (MANE Select); coding-DNA position 710, C replaced by T.
Protein change: p.Thr237Ile; replaces threonine 237 with isoleucine.
Molecular consequence: missense variant.
Genome position (GRCh38, 1-based): chr14:91,339,377, G>A on the plus strand (C>T on the coding strand, the complement: CCDC88C is on the minus strand). VCF-style: chr14-91339377-G-A. GRCh37 (hg19) VCF-style: chr14-91805721-G-A.
Other names: short protein forms T237I.
Identifiers: ClinVar variation 1938412 (VCV001938412.5), dbSNP rs780697786, ClinGen allele CA7310138.
Genomic context (GRCh38, chr14:91,339,377, plus strand): 5'-GCCAGCTCTACGGCCAGGTGCTGCTTGTCTTCGCTAGAGAGGCTGCTGGTGGGGCTGGGA[G>A]TGGAGTCGGCGCTGGAGGACTTGATGGGGCTGGGTGGATGCTGTGCCTGCAGGTAGTCCC-3'
Protein context (NP_001073883.2, residues 227-247): SPIKSSSADS[Thr237Ile]PSPTSSLSSE

ClinVar aggregate classification (germline): Uncertain significance (1 of 4 stars; one submission).

Allele frequency attached by ClinVar (database versions not stated): gnomAD exomes below 0.00001; ExAC 0.00001.
gnomAD v4.1: 4 of 1,613,800 alleles (0.00025%); highest among the groups gnomAD compares: South Asian, 0.0033%; no homozygotes.

Submission:

Labcorp Genetics (formerly Invitae), Labcorp
Classification: Uncertain significance. Last evaluated: 2025-02-24. Review status: criteria provided, single submitter. Criteria: Invitae Variant Classification Sherloc (09022015). Collection method: clinical testing. Allele origin: germline.
Comment: This sequence change replaces threonine, which is neutral and polar, with isoleucine, which is neutral and non-polar, at codon 237 of the CCDC88C protein (p.Thr237Ile). This variant is present in population databases (rs780697786, gnomAD 0.007%). This variant has not been reported in the literature in individuals affected with CCDC88C-related conditions. ClinVar contains an entry for this variant (Variation ID: 1938412). An algorithm developed to predict the effect of missense changes on protein structure and function (PolyPhen-2) suggests that this variant is likely to be disruptive. In summary, the available evidence is currently insufficient to determine the role of this variant in disease. Therefore, it has been classified as a Variant of Uncertain Significance.